The following is an entry in ClinVar:

ClinVar aggregate classification (germline): Likely benign (0 of 4 stars; one submission).

Conditions:
MIDN-related disorder. Also called: MIDN-related condition.

Submission:

PreventionGenetics, part of Exact Sciences
Classification: Likely benign for MIDN-related condition. Last evaluated: 2022-03-18. Review status: no assertion criteria provided. Collection method: clinical testing. Allele origin: germline.
Comment: This variant is classified as likely benign based on ACMG/AMP sequence variant interpretation guidelines (Richards et al. 2015 PMID: 25741868, with internal and published modifications).

NM_001388306.1(MIDN):c.514-3dup

Gene: MIDN (midnolin; plus strand). Cytogenetic location: 19p13.3.
Variant type: Duplication.
Coding change: c.514-3dup on transcript NM_001388306.1 (MANE Select); 3 bases into the intron before coding-DNA position 514, one base duplicated (C; older notation c.514-3dupC).
Molecular consequence: intron variant.
Genome position (GRCh38, 1-based): chr19:1,254,164, C duplicated. VCF-style (leftmost placement, unchanged base first): chr19-1254163-G-GC. GRCh37 (hg19) VCF-style: chr19-1254162-G-GC.
Other names: c.385-3dup (NM_177401.5, NM_001388307.1, NM_001388474.1).
Identifiers: ClinVar variation 3047179 (VCV003047179.2), dbSNP rs2511977015, ClinGen allele CA2740091839.